The following is an entry in ClinVar:

ClinVar aggregate classification (germline): Uncertain significance (1 of 4 stars; one submission).

Conditions:
Benign neonatal seizures. Also called: Convulsions benign familial neonatal dominant form; Autosomal dominant form of benign neonatal seizures; Benign neonatal familial convulsions; Benign familial neonatal epilepsy; Benign familial neonatal seizures. Identifiers: Orphanet 1949, MedGen C0220669, MONDO:0016027.

Submission:

Labcorp Genetics (formerly Invitae), Labcorp
Classification: Uncertain significance for Benign neonatal seizures. Last evaluated: 2023-05-29. Review status: criteria provided, single submitter. Criteria: Invitae Variant Classification Sherloc (09022015). Collection method: clinical testing. Allele origin: germline.
Comment: This variant is not present in population databases (gnomAD no frequency). In summary, the available evidence is currently insufficient to determine the role of this variant in disease. Therefore, it has been classified as a Variant of Uncertain Significance. Advanced modeling of protein sequence and biophysical properties (such as structural, functional, and spatial information, amino acid conservation, physicochemical variation, residue mobility, and thermodynamic stability) performed at Invitae indicates that this missense variant is not expected to disrupt KCNQ3 protein function. This variant has not been reported in the literature in individuals affected with KCNQ3-related conditions. This sequence change replaces aspartic acid, which is acidic and polar, with asparagine, which is neutral and polar, at codon 815 of the KCNQ3 protein (p.Asp815Asn).

NM_004519.4(KCNQ3):c.2443G>A (p.Asp815Asn)

Gene: KCNQ3 (potassium voltage-gated channel subfamily Q member 3; minus strand). Cytogenetic location: 8q24.22.
Variant type: single nucleotide variant.
Coding change: c.2443G>A on transcript NM_004519.4 (MANE Select); coding-DNA position 2443, G replaced by A.
Protein change: p.Asp815Asn; replaces aspartic acid 815 with asparagine.
Molecular consequence: missense variant.
Genome position (GRCh38, 1-based): chr8:132,129,438, C>T on the plus strand (G>A on the coding strand, the complement: KCNQ3 is on the minus strand). VCF-style: chr8-132129438-C-T. GRCh37 (hg19) VCF-style: chr8-133141685-C-T.
Other names: c.2083G>A, p.Asp695Asn (NM_001204824.2); short protein forms D815N, D695N.
Identifiers: ClinVar variation 2843981 (VCV002843981.3), dbSNP rs530506549, ClinGen allele CA372215882.